The following is an entry in ClinVar:

ClinVar aggregate classification (germline): Uncertain significance (1 of 4 stars; one submission).

Conditions:
Primary ciliary dyskinesia. Also called: Ciliary dyskinesia. Identifiers: Orphanet 244, MedGen C0008780, MONDO:0016575, HP:0012265.

Submission:

Ambry Genetics
Classification: Uncertain significance for Primary ciliary dyskinesia. Last evaluated: 2017-02-01. Review status: criteria provided, single submitter. Criteria: Ambry Variant Classification Scheme 2023. Collection method: clinical testing. Allele origin: germline.
Comment: The p.E803G variant (also known as c.2408A>G), located in coding exon 18 of the OFD1 gene, results from an A to G substitution at nucleotide position 2408. The glutamic acid at codon 803 is replaced by glycine, an amino acid with similar properties. This amino acid position is not well conserved in available vertebrate species. In addition, the in silico prediction for this alteration is inconclusive. Since supporting evidence is limited at this time, the clinical significance of this alteration remains unclear.

NM_003611.3(OFD1):c.2408A>G (p.Glu803Gly)

Gene: OFD1 (OFD1 centriole and centriolar satellite protein; plus strand). Cytogenetic location: Xp22.2.
Variant type: single nucleotide variant.
Coding change: c.2408A>G on transcript NM_003611.3 (MANE Select); coding-DNA position 2408, A replaced by G.
Protein change: p.Glu803Gly; replaces glutamic acid 803 with glycine.
Molecular consequence: missense variant.
Genome position (GRCh38, 1-based): chrX:13,762,364, A>G. VCF-style: chrX-13762364-A-G. GRCh37 (hg19) VCF-style: chrX-13780483-A-G.
Other names: c.2288A>G, p.Glu763Gly (NM_001330209.2); c.1988A>G, p.Glu663Gly (NM_001330210.2); short protein forms E803G, E663G, E763G.
Identifiers: ClinVar variation 589528 (VCV000589528.5), dbSNP rs1569155243, ClinGen allele CA412345196.